The following is an entry in ClinVar:

NM_020812.4(DOCK6):c.1971+3G>T

Gene: DOCK6 (dedicator of cytokinesis 6; minus strand). Cytogenetic location: 19p13.2.
Variant type: single nucleotide variant.
Coding change: c.1971+3G>T on transcript NM_020812.4 (MANE Select); 3 bases into the intron after coding-DNA position 1971, G replaced by T.
Molecular consequence: intron variant.
Genome position (GRCh38, 1-based): chr19:11,237,638, C>A on the plus strand (G>T on the coding strand, the complement: DOCK6 is on the minus strand). VCF-style: chr19-11237638-C-A. GRCh37 (hg19) VCF-style: chr19-11348314-C-A.
Other names: c.1971+3G>T (NM_001367830.1).
Identifiers: ClinVar variation 4773616 (VCV004773616.1).

ClinVar aggregate classification (germline): Uncertain significance (1 of 4 stars; one submission).

Submission:

Labcorp Genetics (formerly Invitae), Labcorp
Classification: Uncertain significance. Last evaluated: 2025-03-27. Review status: criteria provided, single submitter. Criteria: Invitae Variant Classification Sherloc (09022015). Collection method: clinical testing. Allele origin: germline.
Comment: This sequence change falls in intron 17 of the DOCK6 gene. It does not directly change the encoded amino acid sequence of the DOCK6 protein. It affects a nucleotide within the consensus splice site. This variant is not present in population databases (gnomAD no frequency). This variant has not been reported in the literature in individuals affected with DOCK6-related conditions. Variants that disrupt the consensus splice site are a relatively common cause of aberrant splicing (PMID: 17576681, 9536098). Algorithms developed to predict the effect of sequence changes on RNA splicing suggest that this variant may disrupt the consensus splice site. In summary, the available evidence is currently insufficient to determine the role of this variant in disease. Therefore, it has been classified as a Variant of Uncertain Significance.

Literature cited by the submitters: PubMed 17576681; PubMed 9536098.